The following is an entry in ClinVar:

NM_138817.3(SLC7A13):c.272C>T (p.Thr91Met)

Gene: SLC7A13 (solute carrier family 7 member 13; minus strand). Cytogenetic location: 8q21.3.
Variant type: single nucleotide variant.
Coding change: c.272C>T on transcript NM_138817.3 (MANE Select); coding-DNA position 272, C replaced by T.
Protein change: p.Thr91Met; replaces threonine 91 with methionine.
Molecular consequence: missense variant.
Genome position (GRCh38, 1-based): chr8:86,230,006, G>A on the plus strand (C>T on the coding strand, the complement: SLC7A13 is on the minus strand). VCF-style: chr8-86230006-G-A. GRCh37 (hg19) VCF-style: chr8-87242235-G-A.
Other names: short protein forms T91M.
Identifiers: ClinVar variation 3610428 (VCV003610428.2).
Genomic context (GRCh38, chr8:86,230,006, plus strand): 5'-TGGCCAGCAACTACCCCTGACCCCAGAAACAAGGATGTCCAGAGATTCAAAAAAGCAACC[G>A]TGGAGCCAAAGTATCTCTTGAGAAAATAGTATTGAGCTCCACTGCATGGGAAGCTTATAC-3'
Protein context (NP_620172.2, residues 81-101): YYFLKRYFGS[Thr91Met]VAFLNLWTSL

ClinVar aggregate classification (germline): Uncertain significance (1 of 4 stars; one submission).

Submission:

Labcorp Genetics (formerly Invitae), Labcorp
Classification: Uncertain significance. Last evaluated: 2024-04-25. Review status: criteria provided, single submitter. Criteria: Invitae Variant Classification Sherloc (09022015). Collection method: clinical testing. Allele origin: germline.
Comment: This sequence change replaces threonine, which is neutral and polar, with methionine, which is neutral and non-polar, at codon 91 of the SLC7A13 protein (p.Thr91Met). This variant is present in population databases (rs757154842, gnomAD 0.003%). This variant has not been reported in the literature in individuals affected with SLC7A13-related conditions. Algorithms developed to predict the effect of missense changes on protein structure and function output the following: SIFT: "Not Available"; PolyPhen-2: "Benign"; Align-GVGD: "Not Available". The methionine amino acid residue is found in multiple mammalian species, which suggests that this missense change does not adversely affect protein function. In summary, the available evidence is currently insufficient to determine the role of this variant in disease. Therefore, it has been classified as a Variant of Uncertain Significance.